The following is an entry in ClinVar:

ClinVar aggregate classification (germline): Uncertain significance (1 of 4 stars; one submission).

Conditions:
Norman-Roberts syndrome (LIS2). Also called: Lissencephaly 2 (Norman-Roberts type). Identifiers: Orphanet 89844, MedGen C0796089, MONDO:0009760, OMIM 257320.
Familial temporal lobe epilepsy 7. Identifiers: Orphanet 101046, MedGen C4225327, MONDO:0014639, OMIM 616436.

Allele frequency attached by ClinVar (database versions not stated): TOPMed below 0.00001.

Submission:

Labcorp Genetics (formerly Invitae), Labcorp
Classification: Uncertain significance for Familial temporal lobe epilepsy 7; Norman-Roberts syndrome. Last evaluated: 2022-01-27. Review status: criteria provided, single submitter. Criteria: Invitae Variant Classification Sherloc (09022015). Collection method: clinical testing. Allele origin: germline.
Comment: In summary, the available evidence is currently insufficient to determine the role of this variant in disease. Therefore, it has been classified as a Variant of Uncertain Significance. Variants that disrupt the consensus splice site are a relatively common cause of aberrant splicing (PMID: 17576681, 9536098). Algorithms developed to predict the effect of sequence changes on RNA splicing suggest that this variant is not likely to affect RNA splicing. This variant has not been reported in the literature in individuals affected with RELN-related conditions. This variant is not present in population databases (gnomAD no frequency). This sequence change falls in intron 55 of the RELN gene. It does not directly change the encoded amino acid sequence of the RELN protein. It affects a nucleotide within the consensus splice site.

Literature cited by the submitters: PubMed 17576681; PubMed 9536098.

NM_005045.4(RELN):c.8950+4T>A

Genes: RELN (reelin; minus strand), SLC26A5-AS1 (SLC26A5 antisense RNA 1; plus strand). Cytogenetic location: 7q22.1.
Variant type: single nucleotide variant.
Coding change: c.8950+4T>A on transcript NM_005045.4 (MANE Select); 4 bases into the intron after coding-DNA position 8950, T replaced by A.
Molecular consequence: intron variant.
Genome position (GRCh38, 1-based): chr7:103,497,816, A>T on the plus strand (T>A on the coding strand, the complement: RELN is on the minus strand). VCF-style: chr7-103497816-A-T. GRCh37 (hg19) VCF-style: chr7-103138263-A-T.
Other names: c.8950+4T>A (NM_173054.3).
Identifiers: ClinVar variation 1956335 (VCV001956335.5), dbSNP rs1828885465, ClinGen allele CA1730761431.